The following is an entry in ClinVar:

ClinVar aggregate classification (germline): Uncertain significance (0 of 4 stars; one submission).

Conditions:
OTOG-related disorder. Also called: OTOG-related condition.

gnomAD v4.1: 1 of 1,550,488 alleles (0.000064%); highest among the groups gnomAD compares: East Asian, 0.0024%; no homozygotes.

Submission:

PreventionGenetics, part of Exact Sciences
Classification: Uncertain significance for OTOG-related condition. Last evaluated: 2024-07-25. Review status: no assertion criteria provided. Collection method: clinical testing. Allele origin: germline.
Comment: The OTOG c.2065C>T variant is predicted to result in the amino acid substitution p.Pro689Ser. To our knowledge, this variant has not been reported in the literature. This variant is reported in 0.0093% of alleles in individuals of East Asian descent in gnomAD. At this time, the clinical significance of this variant is uncertain due to the absence of conclusive functional and genetic evidence.

NM_001292063.2(OTOG):c.2029C>T (p.Pro677Ser)

Gene: OTOG (otogelin; plus strand). Cytogenetic location: 11p15.1.
Variant type: single nucleotide variant.
Coding change: c.2029C>T on transcript NM_001292063.2 (MANE Select); coding-DNA position 2029, C replaced by T.
Protein change: p.Pro677Ser; replaces proline 677 with serine.
Molecular consequence: missense variant.
Genome position (GRCh38, 1-based): chr11:17,572,153, C>T. VCF-style: chr11-17572153-C-T. GRCh37 (hg19) VCF-style: chr11-17593700-C-T.
Other names: c.2065C>T, p.Pro689Ser (NM_001277269.2); short protein forms P677S, P689S.
Identifiers: ClinVar variation 3347061 (VCV003347061.1).